The following is an entry in ClinVar:

ClinVar aggregate classification (germline): Uncertain significance. Review status: criteria provided, multiple submitters, no conflicts (2 of 4 stars). 2 submissions from 2 submitters: Uncertain significance (2). Last evaluated 2023-12-04.

Conditions:
Inborn genetic diseases. Identifiers: MedGen C0950123, MeSH D030342.

Allele frequency attached by ClinVar (database versions not stated): gnomAD exomes below 0.00001 and 0.00001; ExAC 0.00001; gnomAD 0.00002 and 0.00003; TOPMed 0.00002; 1000 Genomes Project 0.00020; 1000 Genomes Project 30x 0.00031.
gnomAD v4.1: 13 of 1,609,230 alleles (0.00081%); highest among the groups gnomAD compares: Admixed American, 0.022%; no homozygotes.

Submissions (2):

Labcorp Genetics (formerly Invitae), Labcorp
Classification: Uncertain significance. Last evaluated: 2023-12-04. Review status: criteria provided, single submitter. Criteria: Invitae Variant Classification Sherloc (09022015). Collection method: clinical testing. Allele origin: germline.
Comment: This sequence change replaces glycine, which is neutral and non-polar, with serine, which is neutral and polar, at codon 165 of the ARL3 protein (p.Gly165Ser). This variant is present in population databases (rs182194850, gnomAD 0.003%). This variant has not been reported in the literature in individuals affected with ARL3-related conditions. ClinVar contains an entry for this variant (Variation ID: 1041169). An algorithm developed to predict the effect of missense changes on protein structure and function (PolyPhen-2) suggests that this variant is likely to be disruptive. In summary, the available evidence is currently insufficient to determine the role of this variant in disease. Therefore, it has been classified as a Variant of Uncertain Significance.

Ambry Genetics
Classification: Uncertain significance for Inborn genetic diseases. Last evaluated: 2021-06-18. Review status: criteria provided, single submitter. Criteria: Ambry Variant Classification Scheme 2023. Collection method: clinical testing. Allele origin: germline.

NM_004311.4(ARL3):c.493G>A (p.Gly165Ser)

Gene: ARL3 (ARF like GTPase 3; minus strand). Cytogenetic location: 10q24.32.
Variant type: single nucleotide variant.
Coding change: c.493G>A on transcript NM_004311.4 (MANE Select); coding-DNA position 493, G replaced by A.
Protein change: p.Gly165Ser; replaces glycine 165 with serine.
Molecular consequence: missense variant.
Genome position (GRCh38, 1-based): chr10:102,685,824, C>T on the plus strand (G>A on the coding strand, the complement: ARL3 is on the minus strand). VCF-style: chr10-102685824-C-T. GRCh37 (hg19) VCF-style: chr10-104445581-C-T.
Other names: c.493G>A (NM_004311.3); short protein forms G165S.
Identifiers: ClinVar variation 1041169 (VCV001041169.10), dbSNP rs182194850, ClinGen allele CA5668422.
Genomic context (GRCh38, chr10:102,685,824, plus strand): 5'-ACCTCGGTTAGCTGTCATGTTGCCAGGTGGCCAAGCCTTCCTGTAATCTCACCTGAACGC[C>T]CTCTCCTGTGAGAGCTGAGCAAGACTGGATCTGCCAGACTCGGTCGCGGATGGTATGCAG-3'
Protein context (NP_004302.1, residues 155-175): IQSCSALTGE[Gly165Ser]VQDGMNWVCK